The following is an entry in ClinVar:

NM_001348800.3(ZBTB20):c.1085A>G (p.Gln362Arg)

Gene: ZBTB20 (zinc finger and BTB domain containing 20; minus strand). Cytogenetic location: 3q13.31.
Variant type: single nucleotide variant.
Coding change: c.1085A>G on transcript NM_001348800.3 (MANE Select); coding-DNA position 1085, A replaced by G.
Protein change: p.Gln362Arg; replaces glutamine 362 with arginine.
Molecular consequence: missense variant.
Genome position (GRCh38, 1-based): chr3:114,350,993, T>C on the plus strand (A>G on the coding strand, the complement: ZBTB20 is on the minus strand). VCF-style: chr3-114350993-T-C. GRCh37 (hg19) VCF-style: chr3-114069840-T-C.
Other names: c.1085A>G, p.Gln362Arg (NM_001164342.2, NM_001348803.3, NM_001393393.1 and 1 more transcripts); c.866A>G, p.Gln289Arg (NM_001164343.2, NM_001164344.4, NM_001164345.4 and 9 more transcripts); short protein forms Q289R, Q362R.
Identifiers: ClinVar variation 3616013 (VCV003616013.1).

ClinVar aggregate classification (germline): Uncertain significance (1 of 4 stars; one submission).

gnomAD v4.1: 3 of 1,609,886 alleles (0.00019%); highest among the groups gnomAD compares: East Asian, 0.0022%; no homozygotes.

Submission:

Labcorp Genetics (formerly Invitae), Labcorp
Classification: Uncertain significance. Last evaluated: 2024-10-21. Review status: criteria provided, single submitter. Criteria: Invitae Variant Classification Sherloc (09022015). Collection method: clinical testing. Allele origin: germline.
Comment: This sequence change replaces glutamine, which is neutral and polar, with arginine, which is basic and polar, at codon 362 of the ZBTB20 protein (p.Gln362Arg). This variant is present in population databases (no rsID available, gnomAD 0.01%). This variant has not been reported in the literature in individuals affected with ZBTB20-related conditions. Invitae Evidence Modeling of protein sequence and biophysical properties (such as structural, functional, and spatial information, amino acid conservation, physicochemical variation, residue mobility, and thermodynamic stability) indicates that this missense variant is not expected to disrupt ZBTB20 protein function with a negative predictive value of 95%. In summary, the available evidence is currently insufficient to determine the role of this variant in disease. Therefore, it has been classified as a Variant of Uncertain Significance.